The following is an entry in ClinVar:

ClinVar aggregate classification (germline): Likely benign. Review status: criteria provided, multiple submitters, no conflicts (2 of 4 stars). 2 submissions from 2 submitters: Likely benign (2). Last evaluated 2025-10-07.

Conditions:
Birt-Hogg-Dube syndrome 1 (BHD1). Also called: FIBROFOLLICULOMAS WITH TRICHODISCOMAS AND ACROCHORDONS. Identifiers: Orphanet 122, MedGen CN375946, MONDO:0800445, OMIM 135150.
Birt-Hogg-Dube syndrome. Also called: Birt Hogg Dubé syndrome. Identifiers: Orphanet 122, MedGen C0346010, MONDO:0800444.

Allele frequency attached by ClinVar (database versions not stated): gnomAD 0.00001; gnomAD exomes 0.00001; TOPMed 0.00002.
gnomAD v4.1: 11 of 1,593,802 alleles (0.00069%); highest among the groups gnomAD compares: Non-Finnish European, 0.00095%; no homozygotes.

Submissions (2):

Labcorp Genetics (formerly Invitae), Labcorp
Classification: Likely benign for Birt-Hogg-Dube syndrome. Last evaluated: 2025-10-07. Review status: criteria provided, single submitter. Criteria: Invitae Variant Classification Sherloc (09022015). Collection method: clinical testing. Allele origin: germline.

Myriad Genetics, Inc.
Classification: Likely benign for Birt-Hogg-Dube syndrome 1. Last evaluated: 2024-10-24. Review status: criteria provided, single submitter. Criteria: Myriad Autosomal Dominant, Autosomal Recessive and X-Linked Classification Criteria (2023). Collection method: clinical testing. Allele origin: unknown.
Comment: This variant is considered likely benign. This variant is intronic and is not expected to impact mRNA splicing.

NM_144997.7(FLCN):c.1176+8C>T

Gene: FLCN (folliculin; minus strand). Cytogenetic location: 17p11.2.
Variant type: single nucleotide variant.
Coding change: c.1176+8C>T on transcript NM_144997.7 (MANE Select); 8 bases into the intron after coding-DNA position 1176, C replaced by T.
Molecular consequence: intron variant.
Genome position (GRCh38, 1-based): chr17:17,217,061, G>A on the plus strand (C>T on the coding strand, the complement: FLCN is on the minus strand). VCF-style: chr17-17217061-G-A. GRCh37 (hg19) VCF-style: chr17-17120375-G-A.
Other names: c.1176+8C>T (LRG_325t1, NM_001353231.2, NM_001353230.2); c.1230+8C>T (NM_001353229.2).
Identifiers: ClinVar variation 415625 (VCV000415625.12), dbSNP rs1033129279, ClinGen allele CA16615111.
Genomic context (GRCh38, chr17:17,217,061, plus strand): 5'-CCCACCTGACGCCAGGCACCAGGCCAATACTGCCCTGCGCCGCACACCTAAGGAAAAGAT[G>A]TTCTCACCCGAAGTACTTCAAAAGCTGACTGGACGAGGTCCACGTCTCTGCTTTTCCAGA-3'